The following is an entry in ClinVar:

NM_001735.3(C5):c.1988A>G (p.Gln663Arg)

Gene: C5 (complement C5; minus strand). Cytogenetic location: 9q33.2.
Variant type: single nucleotide variant.
Coding change: c.1988A>G on transcript NM_001735.3 (MANE Select); coding-DNA position 1988, A replaced by G.
Protein change: p.Gln663Arg; replaces glutamine 663 with arginine.
Molecular consequence: missense variant.
Genome position (GRCh38, 1-based): chr9:121,016,262, T>C on the plus strand (A>G on the coding strand, the complement: C5 is on the minus strand). VCF-style: chr9-121016262-T-C. GRCh37 (hg19) VCF-style: chr9-123778540-T-C.
Other names: c.2006A>G, p.Gln669Arg (NM_001317163.2); c.1988A>G, p.Gln663Arg (NM_001317164.2); short protein forms Q663R, Q669R.
Identifiers: ClinVar variation 1895669 (VCV001895669.4), dbSNP rs370045659, ClinGen allele CA5217930.

ClinVar aggregate classification (germline): Uncertain significance. Review status: criteria provided, multiple submitters, no conflicts (2 of 4 stars). 2 submissions from 2 submitters: Uncertain significance (2). Last evaluated 2024-11-09.

Allele frequency attached by ClinVar (database versions not stated): ExAC 0.00002; gnomAD 0.00003; gnomAD exomes 0.00004; ESP Exome Variant Server 0.00008.
gnomAD v4.1: 62 of 1,613,890 alleles (0.0038%); highest among the groups gnomAD compares: Non-Finnish European, 0.0051%; no homozygotes.

Submissions (2):

Ambry Genetics
Classification: Uncertain significance. Last evaluated: 2024-11-09. Review status: criteria provided, single submitter. Criteria: Ambry Variant Classification Scheme 2023. Collection method: clinical testing. Allele origin: germline.

Labcorp Genetics (formerly Invitae), Labcorp
Classification: Uncertain significance. Last evaluated: 2022-07-30. Review status: criteria provided, single submitter. Criteria: Invitae Variant Classification Sherloc (09022015). Collection method: clinical testing. Allele origin: germline.
Comment: This sequence change replaces glutamine, which is neutral and polar, with arginine, which is basic and polar, at codon 663 of the C5 protein (p.Gln663Arg). This variant is present in population databases (rs370045659, gnomAD 0.005%). This variant has not been reported in the literature in individuals affected with C5-related conditions. Algorithms developed to predict the effect of missense changes on protein structure and function output the following: SIFT: "Tolerated"; PolyPhen-2: "Benign"; Align-GVGD: "Class C0". The arginine amino acid residue is found in multiple mammalian species, which suggests that this missense change does not adversely affect protein function. In summary, the available evidence is currently insufficient to determine the role of this variant in disease. Therefore, it has been classified as a Variant of Uncertain Significance.